The following is an entry in ClinVar:

ClinVar aggregate classification (germline): Likely benign. Review status: criteria provided, single submitter (1 of 4 stars). 2 submissions from 2 submitters: Likely benign (1). 1 of the submissions does not count toward it. Last evaluated 2024-11-22.

Conditions:
NXN-related disorder. Also called: NXN-related condition.

Allele frequency attached by ClinVar (database versions not stated): gnomAD exomes 0.00002; ExAC 0.00009; TOPMed 0.00019; 1000 Genomes Project 0.00020; gnomAD 0.00021; 1000 Genomes Project 30x 0.00031; ESP Exome Variant Server 0.00038.
gnomAD v4.1: 68 of 1,611,948 alleles (0.0042%); highest among the groups gnomAD compares: African/African-American, 0.071%; no homozygotes.

Submissions (2):

Labcorp Genetics (formerly Invitae), Labcorp
Classification: Likely benign. Last evaluated: 2024-11-22. Review status: criteria provided, single submitter. Criteria: Invitae Variant Classification Sherloc (09022015). Collection method: clinical testing. Allele origin: germline.

PreventionGenetics, part of Exact Sciences
Classification: Likely benign for NXN-related condition. Last evaluated: 2019-04-05. Review status: no assertion criteria provided. Collection method: clinical testing. Allele origin: germline. Not counted in ClinVar's aggregate classification.
Comment: This variant is classified as likely benign based on ACMG/AMP sequence variant interpretation guidelines (Richards et al. 2015 PMID: 25741868, with internal and published modifications).

NM_022463.5(NXN):c.820+7G>A

Gene: NXN (nucleoredoxin; minus strand). Cytogenetic location: 17p13.3.
Variant type: single nucleotide variant.
Coding change: c.820+7G>A on transcript NM_022463.5 (MANE Select); 7 bases into the intron after coding-DNA position 820, G replaced by A.
Molecular consequence: intron variant.
Genome position (GRCh38, 1-based): chr17:819,432, C>T on the plus strand (G>A on the coding strand, the complement: NXN is on the minus strand). VCF-style: chr17-819432-C-T. GRCh37 (hg19) VCF-style: chr17-722672-C-T.
Other names: c.820+7G>A (NM_022463.4); c.496+7G>A (NM_001205319.1).
Identifiers: ClinVar variation 2907568 (VCV002907568.5), dbSNP rs148834799, ClinGen allele CA8264084.